The following is an entry in ClinVar:

NM_201384.3(PLEC):c.2885G>A (p.Ser962Asn)

Gene: PLEC (plectin; minus strand). Cytogenetic location: 8q24.3.
Variant type: single nucleotide variant.
Coding change: c.2885G>A on transcript NM_201384.3 (MANE Select); coding-DNA position 2885, G replaced by A.
Protein change: p.Ser962Asn; replaces serine 962 with asparagine.
Molecular consequence: missense variant.
Genome position (GRCh38, 1-based): chr8:143,929,684, C>T on the plus strand (G>A on the coding strand, the complement: PLEC is on the minus strand). VCF-style: chr8-143929684-C-T. GRCh37 (hg19) VCF-style: chr8-145003852-C-T.
Other names: c.2966G>A, p.Ser989Asn (NM_000445.5); c.2843G>A, p.Ser948Asn (NM_201378.4); c.2819G>A, p.Ser940Asn (NM_201379.3); c.3296G>A, p.Ser1099Asn (NM_201380.4); c.2789G>A, p.Ser930Asn (NM_201381.3); c.2885G>A, p.Ser962Asn (NM_201382.4); c.2897G>A, p.Ser966Asn (NM_201383.3); short protein forms S1099N, S930N, S966N, S989N, S948N, S940N, S962N.
Identifiers: ClinVar variation 578565 (VCV000578565.6), dbSNP rs1564101094, ClinGen allele CA372570793.

ClinVar aggregate classification (germline): Uncertain significance (1 of 4 stars; one submission).

Conditions:
Epidermolysis bullosa simplex 5C, with pyloric atresia (EBS5C). Also called: PLEC1-Related Epidermolysis Bullosa with Pyloric Atresia; PLEC-Related Epidermolysis Bullosa with Pyloric Atresia; Epidermolysis bullosa simplex with pyloric atresia. Identifiers: Orphanet 158684, MedGen C2677349, MONDO:0012807, OMIM 612138.
Epidermolysis bullosa simplex with nail dystrophy (EBS5D). Identifiers: MedGen C4225309, MONDO:0014661, OMIM 616487.
Autosomal recessive limb-girdle muscular dystrophy type 2Q (LGMDR17). Also called: MUSCULAR DYSTROPHY, LIMB-GIRDLE, AUTOSOMAL RECESSIVE 17. Identifiers: Orphanet 254361, MedGen C3150989, MONDO:0013390, OMIM 613723.
Epidermolysis bullosa simplex 5B, with muscular dystrophy (EBS5B). Also called: Epidermolysis bullosa simplex with muscular dystrophy; EPIDERMOLYSIS BULLOSA SIMPLEX AND LIMB-GIRDLE MUSCULAR DYSTROPHY. Identifiers: Orphanet 257, MedGen C2931072, MONDO:0009181, OMIM 226670.
Epidermolysis bullosa simplex, Ogna type (EBS5A). Also called: Pidermolysis bullosa simplex 5A, Ogna type; EPIDERMOLYSIS BULLOSA SIMPLEX 5A, OGNA TYPE. Identifiers: Orphanet 79401, MedGen C0432317, MONDO:0007555, OMIM 131950.

Allele frequency attached by ClinVar (database versions not stated): gnomAD exomes below 0.00001; TOPMed 0.00001.

Submission:

Labcorp Genetics (formerly Invitae), Labcorp
Classification: Uncertain significance for Autosomal recessive limb-girdle muscular dystrophy type 2Q; Epidermolysis bullosa simplex, Ogna type; Epidermolysis bullosa simplex with nail dystrophy; Epidermolysis bullosa simplex 5C, with pyloric atresia; Epidermolysis bullosa simplex 5B, with muscular dystrophy. Last evaluated: 2023-08-24. Review status: criteria provided, single submitter. Criteria: Invitae Variant Classification Sherloc (09022015). Collection method: clinical testing. Allele origin: germline.
Comment: ClinVar contains an entry for this variant (Variation ID: 578565). In summary, the available evidence is currently insufficient to determine the role of this variant in disease. Therefore, it has been classified as a Variant of Uncertain Significance. Advanced modeling of protein sequence and biophysical properties (such as structural, functional, and spatial information, amino acid conservation, physicochemical variation, residue mobility, and thermodynamic stability) performed at Invitae indicates that this missense variant is not expected to disrupt PLEC protein function. This variant has not been reported in the literature in individuals affected with PLEC-related conditions. This variant is not present in population databases (gnomAD no frequency). This sequence change replaces serine, which is neutral and polar, with asparagine, which is neutral and polar, at codon 989 of the PLEC protein (p.Ser989Asn).